The following is an entry in ClinVar:

NM_000202.8(IDS):c.879+2T>A

Genes: IDS (iduronate 2-sulfatase; minus strand), LOC106050102 (IDS recombination region; plus strand). Cytogenetic location: Xq28.
Variant type: single nucleotide variant.
Coding change: c.879+2T>A on transcript NM_000202.8 (MANE Select); the canonical splice donor site of the intron after coding-DNA position 879, T replaced by A.
Molecular consequence: splice donor variant.
Genome position (GRCh38, 1-based): chrX:149,496,344, A>T on the plus strand (T>A on the coding strand, the complement: IDS is on the minus strand). VCF-style: chrX-149496344-A-T. GRCh37 (hg19) VCF-style: chrX-148577875-A-T.
Other names: c.609+2T>A (NM_001166550.4); c.879+2T>A (NM_006123.5).
Identifiers: ClinVar variation 3255868 (VCV003255868.2).

ClinVar aggregate classification (germline): Pathogenic (1 of 4 stars; one submission).

Conditions:
Mucopolysaccharidosis, MPS-II (MPS2). Also called: Hunter Syndrome; IDURONATE 2-SULFATASE DEFICIENCY; Mucopolysaccharidosis Type II; Mucopolysaccharidosis type 2; Attenuated MPS (subtype; formerly known as mild MPS II); Severe MPS II. Identifiers: Orphanet 580, Orphanet 79388, MedGen C0026705, MONDO:0010674, OMIM 309900.

Submission:

Laboratory of Diagnosis and Therapy of Lysosomal Disorders, University of Padova
Classification: Pathogenic for Mucopolysaccharidosis, MPS-II. Last evaluated: 2024-06-07. Review status: criteria provided, single submitter. Criteria: ACMG Guidelines, 2015. Collection method: literature only. Allele origin: germline. Affected: yes. Observed: 1 variant allele.
Comment: Null variant (PVS1_Strong), Absent from controls (or at low frequency) in gnomAD database (PM2_Moderate), Patient’s phenotype or family history highly specific for the disease (PP4_Strong)

Classification method: ACMG Guidelines [PMID:25741868] with modifications

Literature cited by the submitters: PubMed 17391447.